The following is an entry in ClinVar:

ClinVar aggregate classification (germline): Pathogenic. Review status: criteria provided, multiple submitters, no conflicts (2 of 4 stars). 6 submissions from 6 submitters: Pathogenic (5). 1 of the submissions does not count toward it. Last evaluated 2025-12-23.

Conditions:
AHDC1-related disorder. Also called: AHDC1-related condition.
AHDC1-related intellectual disability - obstructive sleep apnea - mild dysmorphism syndrome. Also called: Xia-Gibbs syndrome. Identifiers: Orphanet 412069, MedGen C4014419, MONDO:0014358, OMIM 615829.

Submissions (6):

OLLIN Analises Genomicas, OLLIN
Classification: Pathogenic for AHDC1-related intellectual disability - obstructive sleep apnea - mild dysmorphism syndrome. Last evaluated: 2025-12-23. Review status: criteria provided, single submitter. Criteria: ACMG Guidelines 2015 PMID 25741868. Collection method: clinical testing. Allele origin: germline. Affected: yes. Observed: 1 variant allele.
Comment: The nonsense variant (chr1:27550357G>A), located in exon 8 (of 9), absent in gnomAD v4.1 non-UKB, is reported in ClinVar (VCV000280407.23) and in the scientific literature, and has also been identified de novo in individuals with Xia-Gibbs syndrome (PMID: 38225666, 33644933, 28191890). This variant introduces a premature stop codon, resulting in a truncated protein or mRNA degradation via nonsense-mediated decay (NMD). According to currently available evidence, this variant has been classified as pathogenic (PVS1_S, PS2_M, PS4_M, PM2_P, PP4).

3billion
Classification: Pathogenic for AHDC1-related intellectual disability - obstructive sleep apnea - mild dysmorphism syndrome. Last evaluated: 2025-11-18. Review status: criteria provided, single submitter. Criteria: ACMG Guidelines, 2015. Collection method: clinical testing. Allele origin: germline. Affected: yes.
Comment: The variant is not observed in the gnomAD v4.1.0 dataset. Predicted Consequence/Location: Stop-gained (nonsense): predicted to result in a loss or disruption of normal protein function through nonsense-mediated decay (NMD) or protein truncation. Multiple pathogenic variants are reported downstream of the variant. The variant has been previously reported as de novo in a similarly affected individual (PMID: 33644933). The variant has been reported at least twice as pathogenic with clinical assertions and evidence for the classification (ClinVar ID: VCV000280407). Therefore, this variant is classified as Pathogenic according to the recommendation of ACMG/AMP guideline.

CeGaT Center for Human Genetics Tuebingen
Classification: Pathogenic. Last evaluated: 2024-02-01. Review status: criteria provided, single submitter. Criteria: CeGaT Center For Human Genetics Tuebingen Variant Classification Criteria Version 2. Collection method: clinical testing. Allele origin: germline. Affected: yes. Observed: 1 variant allele.
Comment: AHDC1: PS2, PVS1:Strong, PM2, PS4:Moderate

Blueprint Genetics
Classification: Pathogenic for AHDC1-related disorders. Last evaluated: 2023-10-03. Review status: criteria provided, single submitter. Criteria: ACMG Guidelines, 2015. Collection method: clinical testing. Allele origin: de novo. Affected: yes. Observed: 2 variant alleles.

GeneDx
Classification: Pathogenic. Last evaluated: 2023-02-28. Review status: criteria provided, single submitter. Criteria: GeneDx Variant Classification Process June 2021. Collection method: clinical testing. Allele origin: germline. Affected: yes.
Comment: Nonsense variant predicted to result in protein truncation in a gene for which loss-of-function is a known mechanism of disease; Not observed at significant frequency in large population cohorts (gnomAD); This variant is associated with the following publications: (PMID: 28191890, 30152016, 28135719, 33644933)

Human Genome Sequencing Center Clinical Lab, Baylor College of Medicine
Classification: Pathogenic for AHDC1-related intellectual disability - obstructive sleep apnea - mild dysmorphism syndrome. Review status: no assertion criteria provided. Collection method: clinical testing. Allele origin: de novo. Affected: yes. Not counted in ClinVar's aggregate classification.

Literature cited by the submitters: PubMed 38225666 (cited by OLLIN Analises Genomicas, OLLIN); PubMed 33644933 (cited by OLLIN Analises Genomicas, OLLIN and 3billion); PubMed 28191890 (cited by OLLIN Analises Genomicas, OLLIN).

NM_001371928.1(AHDC1):c.1759C>T (p.Arg587Ter)

Gene: AHDC1 (AT-hook DNA binding motif containing 1; minus strand). Cytogenetic location: 1p36.11.
Variant type: single nucleotide variant.
Coding change: c.1759C>T on transcript NM_001371928.1 (MANE Select); coding-DNA position 1759, C replaced by T.
Protein change: p.Arg587Ter; replaces arginine 587 with a stop codon.
Molecular consequence: nonsense.
Genome position (GRCh38, 1-based): chr1:27,550,357, G>A on the plus strand (C>T on the coding strand, the complement: AHDC1 is on the minus strand). VCF-style: chr1-27550357-G-A. GRCh37 (hg19) VCF-style: chr1-27876868-G-A.
Other names: c.1759C>T, p.Arg587Ter (NM_001029882.3); short protein forms R587*.
Identifiers: ClinVar variation 280407 (VCV000280407.29), dbSNP rs886041620, ClinGen allele CA10602787.